The following is an entry in ClinVar:

NM_000202.8(IDS):c.1119_1120delinsTGTCTCTTATACACATCTGTGATC (p.Gly374delinsValSerTyrThrHisLeuTer)

Genes: IDS (iduronate 2-sulfatase; minus strand), LOC106050102 (IDS recombination region; plus strand). Cytogenetic location: Xq28.
Variant type: Indel.
Coding change: c.1119_1120delinsTGTCTCTTATACACATCTGTGATC on transcript NM_000202.8 (MANE Select); coding-DNA positions 1119 to 1120, AG replaced by TGTCTCTTATACACATCTGTGATC.
Protein change: p.Gly374delinsValSerTyrThrHisLeuTer.
Molecular consequence: nonsense.
Genome position (GRCh38, 1-based): chrX:149,486,985-149,486,986, CT replaced by GATCACAGATGTGTATAAGAGACA on the plus strand (AG replaced by TGTCTCTTATACACATCTGTGATC on the coding strand, the reverse complement: IDS is on the minus strand). VCF-style: chrX-149486985-CT-GATCACAGATGTGTATAAGAGACA. GRCh37 (hg19) VCF-style: chrX-148568516-CT-GATCACAGATGTGTATAAGAGACA.
Other names: c.849_850delinsTGTCTCTTATACACATCTGTGATC, p.Gly284delinsValSerTyrThrHisLeuTer (NM_001166550.4).
Identifiers: ClinVar variation 5003800 (VCV005003800.1).
Genomic context (GRCh38, chrX:149,486,985, plus strand): 5'-CTGGCTCCATCAACTGTGAGGCGGAATCAAAAGGGTCGAGGTAAGGGAAAAGCTTCTCGC[CT>GATCACAGATGTGTATAAGAGACA]GCCTCCGGAAGTGAAGCCGTCCTTCCAGGAACATAGAATATCAGGGGAACATGGGTAGCA-3'

ClinVar aggregate classification (germline): Pathogenic (1 of 4 stars; one submission).

Conditions:
Mucopolysaccharidosis, MPS-II (MPS2). Also called: IDS deficiency; Sulfoiduronate sulfatase deficiency; SIDS deficiency; Mucopolysaccharidosis with skin involvement; Mucopolysaccharidosis type 2; Attenuated MPS (subtype; formerly known as mild MPS II). Identifiers: Orphanet 580, Orphanet 79388, MedGen C0026705, MONDO:0010674, OMIM 309900.

Submission:

Myriad Genetics, Inc.
Classification: Pathogenic for Mucopolysaccharidosis, MPS-II. Last evaluated: 2026-04-24. Review status: criteria provided, single submitter. Criteria: Myriad Autosomal Dominant, Autosomal Recessive and X-Linked Classification Criteria (2023). Collection method: clinical testing. Allele origin: unknown.
Comment: NM_000202.5(IDS):c.1119_1120del2ins24(G374Vfs*7) is a frameshift variant classified as pathogenic in the context of mucopolysaccharidosis type II. G374Vfs*7 has not been observed in cases with relevant disease. Relevant functional assessments of this variant are not available in the literature. G374Vfs*7 has not been observed in referenced population frequency databases. In summary, NM_000202.5(IDS):c.1119_1120del2ins24(G374Vfs*7) is a frameshift variant in a gene where loss of function is a known mechanism of disease and is predicted to disrupt protein function. Please note: this variant was assessed in the context of healthy population screening.